The following is an entry in ClinVar:

ClinVar aggregate classification (germline): Likely benign. Review status: criteria provided, multiple submitters, no conflicts (2 of 4 stars). 6 submissions from 6 submitters: Likely benign (6). Last evaluated 2026-01-26.

Conditions:
Cardiomyopathy (CMYO). Also called: Cardiomyopathies. Identifiers: Orphanet 167848, MedGen C0878544, MONDO:0004994, HP:0001638. Inheritance: Various modes of inheritance.
Cardiovascular phenotype. Identifiers: MedGen CN230736.
Arrhythmogenic right ventricular dysplasia 5. Also called: Arrhythmogenic Right Ventricular Dysplasia/Cardiomyopathy 5; ARRHYTHMOGENIC RIGHT VENTRICULAR DYSPLASIA, FAMILIAL, 5. Identifiers: MedGen C1858379, MONDO:0011459, OMIM 604400.

Allele frequency attached by ClinVar (database versions not stated): gnomAD 0.00004 and 0.00005; gnomAD exomes 0.00004; ExAC 0.00005; TOPMed 0.00005; 1000 Genomes Project 0.00020; 1000 Genomes Project 30x 0.00031.

Submissions (6):

Labcorp Genetics (formerly Invitae), Labcorp
Classification: Likely benign for Arrhythmogenic right ventricular dysplasia 5. Last evaluated: 2026-01-26. Review status: criteria provided, single submitter. Criteria: Invitae Variant Classification Sherloc (09022015). Collection method: clinical testing. Allele origin: germline.

Women's Health and Genetics/Laboratory Corporation of America, LabCorp
Classification: Likely benign. Last evaluated: 2025-10-21. Review status: criteria provided, single submitter. Criteria: LabCorp Variant Classification Summary - May 2015. Collection method: clinical testing. Allele origin: germline.

All of Us Research Program, National Institutes of Health
Classification: Likely benign for Arrhythmogenic right ventricular dysplasia 5. Last evaluated: 2023-12-07. Review status: criteria provided, single submitter. Criteria: ACMG Guidelines, 2015. Collection method: clinical testing. Allele origin: germline. Inheritance: Autosomal dominant inheritance. Observed: 13 variant alleles, 13 heterozygotes.
Comment: This study involves interpretation of variants in research participants for the purpose of population health screening. Participant phenotype was not available at the time of variant classification. Additional details can be found in publication PMID: 35346344, PMCID: PMC8962531

Ambry Genetics
Classification: Likely benign for Cardiovascular phenotype. Last evaluated: 2022-04-19. Review status: criteria provided, single submitter. Criteria: Ambry Variant Classification Scheme 2023. Collection method: clinical testing. Allele origin: germline.

GeneDx
Classification: Likely benign. Last evaluated: 2019-07-26. Review status: criteria provided, single submitter. Criteria: GeneDx Variant Classification Process June 2021. Collection method: clinical testing. Allele origin: germline. Affected: yes.

Color Diagnostics, LLC DBA Color Health
Classification: Likely benign for Cardiomyopathy. Last evaluated: 2019-03-08. Review status: criteria provided, single submitter. Criteria: ACMG Guidelines, 2015. Collection method: clinical testing. Allele origin: germline.

NM_024334.3(TMEM43):c.624A>G (p.Leu208=)

Gene: TMEM43 (transmembrane protein 43; plus strand). Cytogenetic location: 3p25.1.
Variant type: single nucleotide variant.
Coding change: c.624A>G on transcript NM_024334.3 (MANE Select); coding-DNA position 624, A replaced by G.
Protein change: p.Leu208=; no amino-acid change (leucine 208 retained).
Molecular consequence: synonymous variant.
Genome position (GRCh38, 1-based): chr3:14,134,810, A>G. VCF-style: chr3-14134810-A-G. GRCh37 (hg19) VCF-style: chr3-14176310-A-G.
Identifiers: ClinVar variation 701765 (VCV000701765.19), dbSNP rs527942696, ClinGen allele CA054705.